The following is an entry in ClinVar:

NM_000719.7(CACNA1C):c.1391-2480G>A

Gene: CACNA1C (calcium voltage-gated channel subunit alpha1 C; plus strand). Cytogenetic location: 12p13.33.
Variant type: single nucleotide variant.
Coding change: c.1391-2480G>A on transcript NM_000719.7 (MANE Select); 2480 bases into the intron before coding-DNA position 1391, G replaced by A.
Molecular consequence: intron variant.
Genome position (GRCh38, 1-based): chr12:2,547,463, G>A. VCF-style: chr12-2547463-G-A. GRCh37 (hg19) VCF-style: chr12-2656629-G-A.
Other names: c.1391-2480G>A (NM_001167624.3, NM_001167623.2, NM_001167625.2 and 18 more transcripts); c.1382-2480G>A (NM_001129844.2).
Identifiers: ClinVar variation 2498540 (VCV002498540.28), dbSNP rs145383964, ClinGen allele CA6388708.

ClinVar aggregate classification (germline): Likely benign (1 of 4 stars; one submission).

Allele frequency attached by ClinVar (database versions not stated): TOPMed 0.00008; gnomAD 0.00029; gnomAD exomes 0.00108; ExAC 0.00137; 1000 Genomes Project 0.00220; 1000 Genomes Project 30x 0.00234.
gnomAD v4.1: 704 of 779,746 alleles (0.09%); highest among the groups gnomAD compares: South Asian, 0.87%; 6 homozygotes.

Submission:

CeGaT Center for Human Genetics Tuebingen
Classification: Likely benign. Last evaluated: 2025-07-01. Review status: criteria provided, single submitter. Criteria: CeGaT Center For Human Genetics Tuebingen Variant Classification Criteria Version 2. Collection method: clinical testing. Allele origin: germline. Affected: yes. Observed: 5 variant alleles.
Comment: CACNA1C: BP4, BP7, BS2